The following is an entry in ClinVar:

NM_004168.4(SDHA):c.1006G>T (p.Asp336Tyr)

Gene: SDHA (succinate dehydrogenase complex flavoprotein subunit A; plus strand). Cytogenetic location: 5p15.33.
Variant type: single nucleotide variant.
Coding change: c.1006G>T on transcript NM_004168.4 (MANE Select); coding-DNA position 1006, G replaced by T.
Protein change: p.Asp336Tyr; replaces aspartic acid 336 with tyrosine.
Molecular consequence: missense variant.
Genome position (GRCh38, 1-based): chr5:233,587, G>T. VCF-style: chr5-233587-G-T. GRCh37 (hg19) VCF-style: chr5-233702-G-T.
Other names: c.862G>T, p.Asp288Tyr (NM_001294332.2); c.1006G>T, p.Asp336Tyr (NM_001330758.2); short protein forms D336Y, D288Y.
Identifiers: ClinVar variation 548793 (VCV000548793.16), dbSNP rs1553999038, ClinGen allele CA359012841.

ClinVar aggregate classification (germline): Uncertain significance. Review status: criteria provided, multiple submitters, no conflicts (2 of 4 stars). 4 submissions from 4 submitters: Uncertain significance (3). 1 of the submissions does not count toward it. Last evaluated 2026-01-28.

Conditions:
Mitochondrial complex II deficiency, nuclear type 1. Also called: SUCCINATE CoQ REDUCTASE DEFICIENCY. Identifiers: Orphanet 3208, MedGen C5700310, MONDO:0100294, OMIM 252011.
Pheochromocytoma/paraganglioma syndrome 5. Also called: Paragangliomas 5; SDHA-Related Hereditary Paraganglioma-Pheochromocytoma Syndrome. Identifiers: Orphanet 29072, MedGen C3279992, MONDO:0013602, OMIM 614165.
Hereditary cancer-predisposing syndrome. Also called: Neoplastic Syndromes, Hereditary; Tumor predisposition; Hereditary neoplastic syndrome; Hereditary Cancer Syndrome. Identifiers: Orphanet 140162, MedGen C0027672, MeSH D009386, MONDO:0015356.

gnomAD v4.1: 1 of 1,614,202 alleles (0.000062%); highest among the groups gnomAD compares: East Asian, 0.0022%; no homozygotes.

Submissions (4):

Labcorp Genetics (formerly Invitae), Labcorp
Classification: Uncertain significance for Pheochromocytoma/paraganglioma syndrome 5; Mitochondrial complex II deficiency, nuclear type 1. Last evaluated: 2026-01-28. Review status: criteria provided, single submitter. Criteria: Invitae Variant Classification Sherloc (09022015). Collection method: clinical testing. Allele origin: germline.
Comment: This sequence change replaces aspartic acid, which is acidic and polar, with tyrosine, which is neutral and polar, at codon 336 of the SDHA protein (p.Asp336Tyr). This variant is not present in population databases (gnomAD no frequency). This variant has not been reported in the literature in individuals affected with SDHA-related conditions. ClinVar contains an entry for this variant (Variation ID: 548793). Invitae Evidence Modeling of protein sequence and biophysical properties (such as structural, functional, and spatial information, amino acid conservation, physicochemical variation, residue mobility, and thermodynamic stability) has been performed for this missense variant. However, the output from this modeling did not meet the statistical confidence thresholds required to predict the impact of this variant on SDHA protein function. In summary, the available evidence is currently insufficient to determine the role of this variant in disease. Therefore, it has been classified as a Variant of Uncertain Significance.

Ambry Genetics
Classification: Uncertain significance for Hereditary cancer-predisposing syndrome. Last evaluated: 2024-09-24. Review status: criteria provided, single submitter. Criteria: Ambry Variant Classification Scheme 2023. Collection method: clinical testing. Allele origin: germline.
Comment: The p.D336Y variant (also known as c.1006G>T), located in coding exon 8 of the SDHA gene, results from a G to T substitution at nucleotide position 1006. The aspartic acid at codon 336 is replaced by tyrosine, an amino acid with highly dissimilar properties. This amino acid position is highly conserved in available vertebrate species. In addition, this alteration is predicted to be deleterious by in silico analysis. Based on the available evidence, the clinical significance of this variant remains unclear.

Myriad Genetics, Inc.
Classification: Uncertain significance for Pheochromocytoma/paraganglioma syndrome 5. Last evaluated: 2023-04-20. Review status: criteria provided, single submitter. Criteria: Myriad Autosomal Dominant, Autosomal Recessive and X-Linked Classification Criteria (2023). Collection method: clinical testing. Allele origin: unknown.
Comment: This variant is classified as a variant of uncertain significance as there is insufficient evidence to determine its impact on protein function and/or cancer risk.

Counsyl
Classification: Uncertain significance for Pheochromocytoma/paraganglioma syndrome 5. Last evaluated: 2017-09-19. Review status: no assertion criteria provided. Collection method: clinical testing. Allele origin: unknown. Not counted in ClinVar's aggregate classification.